The following is an entry in ClinVar:

ClinVar aggregate classification (germline): Uncertain significance. Review status: criteria provided, multiple submitters, no conflicts (2 of 4 stars). 4 submissions from 4 submitters: Uncertain significance (4). Last evaluated 2024-10-25.

Conditions:
Inborn genetic diseases. Identifiers: MedGen C0950123, MeSH D030342.
Pelviscapular dysplasia. Identifiers: Orphanet 93333, MedGen C1850040, MONDO:0009845, OMIM 260660.

Allele frequency attached by ClinVar (database versions not stated): gnomAD 0.00009; TOPMed 0.00011.
gnomAD v4.1: 129 of 1,613,480 alleles (0.008%); highest among the groups gnomAD compares: Admixed American, 0.027%; no homozygotes.

Submissions (4):

Ambry Genetics
Classification: Uncertain significance for Inborn genetic diseases. Last evaluated: 2024-10-25. Review status: criteria provided, single submitter. Criteria: Ambry Variant Classification Scheme 2023. Collection method: clinical testing. Allele origin: germline.

Labcorp Genetics (formerly Invitae), Labcorp
Classification: Uncertain significance. Last evaluated: 2023-08-30. Review status: criteria provided, single submitter. Criteria: Invitae Variant Classification Sherloc (09022015). Collection method: clinical testing. Allele origin: germline.
Comment: ClinVar contains an entry for this variant (Variation ID: 500123). Advanced modeling of protein sequence and biophysical properties (such as structural, functional, and spatial information, amino acid conservation, physicochemical variation, residue mobility, and thermodynamic stability) performed at Invitae indicates that this missense variant is expected to disrupt TBX15 protein function. In summary, the available evidence is currently insufficient to determine the role of this variant in disease. Therefore, it has been classified as a Variant of Uncertain Significance. This variant has not been reported in the literature in individuals affected with TBX15-related conditions. This variant is present in population databases (rs762139183, gnomAD 0.02%). This sequence change replaces arginine, which is basic and polar, with cysteine, which is neutral and slightly polar, at codon 221 of the TBX15 protein (p.Arg221Cys).

Genome-Nilou Lab
Classification: Uncertain significance for Pelviscapular dysplasia. Last evaluated: 2023-04-11. Review status: criteria provided, single submitter. Criteria: ACMG Guidelines, 2015. Collection method: clinical testing. Allele origin: germline. Affected: no.

Eurofins Ntd Llc (ga)
Classification: Uncertain significance. Last evaluated: 2017-02-07. Review status: criteria provided, single submitter. Criteria: EGL Classification Definitions 2015. Collection method: clinical testing. Allele origin: germline. Observed: 1 variant allele, 1 heterozygote.

NM_001330677.2(TBX15):c.979C>T (p.Arg327Cys)

Gene: TBX15 (T-box transcription factor 15; minus strand). Cytogenetic location: 1p12.
Variant type: single nucleotide variant.
Coding change: c.979C>T on transcript NM_001330677.2 (MANE Select); coding-DNA position 979, C replaced by T.
Protein change: p.Arg327Cys; replaces arginine 327 with cysteine.
Molecular consequence: missense variant.
Genome position (GRCh38, 1-based): chr1:118,899,073, G>A on the plus strand (C>T on the coding strand, the complement: TBX15 is on the minus strand). VCF-style: chr1-118899073-G-A. GRCh37 (hg19) VCF-style: chr1-119441696-G-A.
Other names: c.661C>T, p.Arg221Cys (NM_152380.3); c.661C>T (NM_152380.2); short protein forms R221C, R327C.
Identifiers: ClinVar variation 500123 (VCV000500123.14), dbSNP rs762139183, ClinGen allele CA1034935.
Genomic context (GRCh38, chr1:118,899,073, plus strand): 5'-GCTCCAGGGCTTTACCTTGCTGCTTCTGCATGGTGGTGAAGTCTTCGAAGGTGAGTGTGC[G>A]CACAGGAGGTCTCCAGAATGCATATGTCTCCATGATGGCTTCAAGTCCAGTTCTGACAAG-3'
Protein context (NP_001317606.1, residues 317-337): ETYAFWRPPV[Arg327Cys]TLTFEDFTTM